The following is an entry in ClinVar:

NM_017534.6(MYH2):c.3582A>G (p.Thr1194=)

Genes: MYH2 (myosin heavy chain 2; minus strand), MYHAS (myosin heavy chain gene cluster antisense RNA; plus strand). Cytogenetic location: 17p13.1.
Variant type: single nucleotide variant.
Coding change: c.3582A>G on transcript NM_017534.6 (MANE Select); coding-DNA position 3582, A replaced by G.
Protein change: p.Thr1194=; no amino-acid change (threonine 1194 retained).
Molecular consequence: synonymous variant.
Genome position (GRCh38, 1-based): chr17:10,528,852, T>C on the plus strand (A>G on the coding strand, the complement: MYH2 is on the minus strand). VCF-style: chr17-10528852-T-C. GRCh37 (hg19) VCF-style: chr17-10432169-T-C.
Other names: c.3582A>G, p.Thr1194= (NM_001100112.2).
Identifiers: ClinVar variation 534363 (VCV000534363.41), dbSNP rs200505060, ClinGen allele CA8390861.

ClinVar aggregate classification (germline): Benign/Likely benign. Review status: criteria provided, multiple submitters, no conflicts (2 of 4 stars). 6 submissions from 6 submitters: Benign (2); Likely benign (3). 1 of the submissions does not count toward it. Last evaluated 2026-01-29.

Conditions:
Myopathy, proximal, and ophthalmoplegia (CMYO6). Also called: MYOPATHY WITH CONGENITAL JOINT CONTRACTURES, OPHTHALMOPLEGIA, AND RIMMED VACUOLES; INCLUSION BODY MYOPATHY 3, AUTOSOMAL DOMINANT; CONGENITAL MYOPATHY 6 WITH OPHTHALMOPLEGIA. Identifiers: Orphanet 363677, Orphanet 79091, MedGen C1854106, MONDO:0011577, OMIM 605637.
MYH2-related disorder. Also called: MYH2-related condition.

Allele frequency attached by ClinVar (database versions not stated): TOPMed 0.00023; gnomAD 0.00034 and 0.00078; gnomAD exomes 0.00079 and 0.00164; ExAC 0.00218; 1000 Genomes Project 30x 0.00484.
gnomAD v4.1: 1,284 of 1,613,770 alleles (0.08%); highest among the groups gnomAD compares: South Asian, 1.1%; 23 homozygotes.

Submissions (6):

Labcorp Genetics (formerly Invitae), Labcorp
Classification: Likely benign for Myopathy, proximal, and ophthalmoplegia. Last evaluated: 2026-01-29. Review status: criteria provided, single submitter. Criteria: Invitae Variant Classification Sherloc (09022015). Collection method: clinical testing. Allele origin: germline.

CeGaT Center for Human Genetics Tuebingen
Classification: Benign. Last evaluated: 2025-03-01. Review status: criteria provided, single submitter. Criteria: CeGaT Center For Human Genetics Tuebingen Variant Classification Criteria Version 2. Collection method: clinical testing. Allele origin: germline. Affected: yes. Observed: 2 variant alleles.
Comment: MYH2: BP4, BP7, BS1, BS2

Blueprint Genetics
Classification: Likely benign. Last evaluated: 2024-10-28. Review status: criteria provided, single submitter. Criteria: ACMG Guidelines, 2015. Collection method: clinical testing. Allele origin: germline.

Fulgent Genetics
Classification: Likely benign for Myopathy, proximal, and ophthalmoplegia. Last evaluated: 2022-04-06. Review status: criteria provided, single submitter. Criteria: ACMG Guidelines, 2015. Collection method: clinical testing. Allele origin: unknown.

Illumina Laboratory Services, Illumina
Classification: Benign for Myopathy, proximal, and ophthalmoplegia. Last evaluated: 2018-04-20. Review status: criteria provided, single submitter. Criteria: ICSL Variant Classification Criteria 13 December 2019. Collection method: clinical testing. Allele origin: germline.
Comment: This variant was observed in the ICSL laboratory as part of a predisposition screen in an ostensibly healthy population. It had not been previously curated by ICSL or reported in the Human Gene Mutation Database (HGMD: prior to June 1st, 2018), and was therefore a candidate for classification through an automated scoring system. Utilizing variant allele frequency, disease prevalence and penetrance estimates, and inheritance mode, an automated score was calculated to assess if this variant is too frequent to cause the disease. Based on the score and internal cut-off values, a variant classified as benign is not then subjected to further curation. The score for this variant resulted in a classification of benign for this disease.

PreventionGenetics, part of Exact Sciences
Classification: Benign for MYH2-related condition. Last evaluated: 2023-03-28. Review status: no assertion criteria provided. Collection method: clinical testing. Allele origin: germline. Not counted in ClinVar's aggregate classification.
Comment: This variant is classified as benign based on ACMG/AMP sequence variant interpretation guidelines (Richards et al. 2015 PMID: 25741868, with internal and published modifications).